The following is an entry in ClinVar:

ClinVar aggregate classification (germline): Uncertain significance (1 of 4 stars; one submission).

Submission:

Labcorp Genetics (formerly Invitae), Labcorp
Classification: Uncertain significance. Last evaluated: 2022-05-05. Review status: criteria provided, single submitter. Criteria: Invitae Variant Classification Sherloc (09022015). Collection method: clinical testing. Allele origin: germline.
Comment: In summary, the available evidence is currently insufficient to determine the role of this variant in disease. Therefore, it has been classified as a Variant of Uncertain Significance. Algorithms developed to predict the effect of missense changes on protein structure and function (SIFT, PolyPhen-2, Align-GVGD) all suggest that this variant is likely to be tolerated. This variant has not been reported in the literature in individuals affected with NONO-related conditions. This variant is not present in population databases (gnomAD no frequency). This sequence change replaces proline, which is neutral and non-polar, with arginine, which is basic and polar, at codon 40 of the NONO protein (p.Pro40Arg).

NM_007363.5(NONO):c.119C>G (p.Pro40Arg)

Gene: NONO (non-POU domain containing octamer binding; plus strand). Cytogenetic location: Xq13.1.
Variant type: single nucleotide variant.
Coding change: c.119C>G on transcript NM_007363.5 (MANE Select); coding-DNA position 119, C replaced by G.
Protein change: p.Pro40Arg; replaces proline 40 with arginine.
Molecular consequence: missense variant. On other transcripts: intron variant (1).
Genome position (GRCh38, 1-based): chrX:71,290,756, C>G. VCF-style: chrX-71290756-C-G. GRCh37 (hg19) VCF-style: chrX-70510606-C-G.
Other names: c.119C>G, p.Pro40Arg (NM_001145408.2, NM_001145409.2); c.-113-1023C>G (NM_001145410.2); short protein forms P40R.
Identifiers: ClinVar variation 2111993 (VCV002111993.4), dbSNP rs2519885182, ClinGen allele CA413538468.
Genomic context (GRCh38, chrX:71,290,756, plus strand): 5'-ATCAACATCACCACCAGCAGCAGCACCACCAGCAGCAACAGCAGCAGCCGCCACCACCGC[C>G]AATACCTGCAAATGGGCAACAGGCCAGCAGCCAAAGTGTGTATATGCTAGGTGATGGAGT-3'
Protein context (NP_031389.3, residues 30-50): QQQQQQPPPP[Pro40Arg]IPANGQQASS